The following is an entry in ClinVar:

ClinVar aggregate classification (germline): Benign/Likely benign. Review status: criteria provided, multiple submitters, no conflicts (2 of 4 stars). 12 submissions from 12 submitters: Benign (3); Likely benign (7). 2 of the submissions do not count toward it. Last evaluated 2025-10-20.

Conditions:
STK11-related disorder. Also called: STK11-related condition.
Hereditary cancer-predisposing syndrome. Also called: Tumor predisposition; Neoplastic Syndromes, Hereditary; Hereditary neoplastic syndrome; Hereditary Cancer Syndrome. Identifiers: Orphanet 140162, MedGen C0027672, MeSH D009386, MONDO:0015356.
Peutz-Jeghers syndrome (PJS). Also called: POLYPOSIS, HAMARTOMATOUS INTESTINAL; POLYPS-AND-SPOTS SYNDROME; Peutz-Jeghers polyposis; Periorificial lentiginosis syndrome. Identifiers: Orphanet 2869, MedGen C0031269, MeSH D010580, MONDO:0008280, OMIM 175200.

Allele frequency attached by ClinVar (database versions not stated): ExAC 0.00001; gnomAD 0.00001; gnomAD exomes 0.00001; TOPMed 0.00003.
gnomAD v4.1: 21 of 1,602,678 alleles (0.0013%); highest among the groups gnomAD compares: Non-Finnish European, 0.0017%; no homozygotes.

Submissions (12):

Labcorp Genetics (formerly Invitae), Labcorp
Classification: Likely benign for Peutz-Jeghers syndrome. Last evaluated: 2025-10-20. Review status: criteria provided, single submitter. Criteria: Invitae Variant Classification Sherloc (09022015). Collection method: clinical testing. Allele origin: germline.

Blueprint Genetics
Classification: Likely benign. Last evaluated: 2024-06-05. Review status: criteria provided, single submitter. Criteria: ACMG Guidelines, 2015. Collection method: clinical testing. Allele origin: germline.

Myriad Genetics, Inc.
Classification: Benign for Peutz-Jeghers syndrome. Last evaluated: 2023-04-13. Review status: criteria provided, single submitter. Criteria: Myriad Autosomal Dominant, Autosomal Recessive and X-Linked Classification Criteria (2023). Collection method: clinical testing. Allele origin: unknown.
Comment: This variant is considered benign. This variant is a silent/synonymous amino acid change and it is not expected to impact splicing.

Sema4
Classification: Likely benign for Hereditary cancer-predisposing syndrome. Last evaluated: 2021-08-19. Review status: criteria provided, single submitter. Criteria: Sema4 Curation Guidelines. Collection method: curation. Allele origin: germline.

Genome-Nilou Lab
Classification: Likely benign for Peutz-Jeghers syndrome. Last evaluated: 2021-07-15. Review status: criteria provided, single submitter. Criteria: ACMG Guidelines, 2015. Collection method: clinical testing. Allele origin: germline. Affected: no.

Women's Health and Genetics/Laboratory Corporation of America, LabCorp
Classification: Likely benign. Last evaluated: 2020-08-06. Review status: criteria provided, single submitter. Criteria: LabCorp Variant Classification Summary - May 2015. Collection method: clinical testing. Allele origin: germline.

Quest Diagnostics Nichols Institute San Juan Capistrano
Classification: Benign. Last evaluated: 2019-03-21. Review status: criteria provided, single submitter. Criteria: Quest Diagnostics criteria. Collection method: clinical testing. Allele origin: germline.

Color Diagnostics, LLC DBA Color Health
Classification: Likely benign for Hereditary cancer-predisposing syndrome. Last evaluated: 2017-05-18. Review status: criteria provided, single submitter. Criteria: ACMG Guidelines, 2015. Collection method: clinical testing. Allele origin: germline.

GeneDx
Classification: Benign. Last evaluated: 2015-03-03. Review status: criteria provided, single submitter. Criteria: GeneDx Variant Classification Process June 2021. Collection method: clinical testing. Allele origin: germline. Affected: yes.

Ambry Genetics
Classification: Likely benign for Hereditary cancer-predisposing syndrome. Last evaluated: 2014-09-25. Review status: criteria provided, single submitter. Criteria: Ambry Variant Classification Scheme 2023. Collection method: clinical testing. Allele origin: germline.

PreventionGenetics, part of Exact Sciences
Classification: Likely benign for STK11-related condition. Last evaluated: 2024-02-19. Review status: no assertion criteria provided. Collection method: clinical testing. Allele origin: germline. Not counted in ClinVar's aggregate classification.
Comment: This variant is classified as likely benign based on ACMG/AMP sequence variant interpretation guidelines (Richards et al. 2015 PMID: 25741868, with internal and published modifications).

Counsyl
Classification: Likely benign for Peutz-Jeghers syndrome. Last evaluated: 2016-10-19. Review status: no assertion criteria provided. Collection method: clinical testing. Allele origin: unknown. Not counted in ClinVar's aggregate classification.

NM_000455.5(STK11):c.594C>T (p.Ala198=)

Gene: STK11 (serine/threonine kinase 11; plus strand). Cytogenetic location: 19p13.3.
Variant type: single nucleotide variant.
Coding change: c.594C>T on transcript NM_000455.5 (MANE Select); coding-DNA position 594, C replaced by T.
Protein change: p.Ala198=; no amino-acid change (alanine 198 retained).
Molecular consequence: synonymous variant.
Genome position (GRCh38, 1-based): chr19:1,220,502, C>T. VCF-style: chr19-1220502-C-T. GRCh37 (hg19) VCF-style: chr19-1220501-C-T.
Identifiers: ClinVar variation 184001 (VCV000184001.31), dbSNP rs772940660, ClinGen allele CA023100.